The following is an entry in ClinVar:

NM_014319.5(LEMD3):c.2191C>T (p.Arg731Cys)

Gene: LEMD3 (LEM domain containing 3; plus strand). Cytogenetic location: 12q14.3.
Variant type: single nucleotide variant.
Coding change: c.2191C>T on transcript NM_014319.5 (MANE Select); coding-DNA position 2191, C replaced by T.
Protein change: p.Arg731Cys; replaces arginine 731 with cysteine.
Molecular consequence: missense variant.
Genome position (GRCh38, 1-based): chr12:65,240,973, C>T. VCF-style: chr12-65240973-C-T. GRCh37 (hg19) VCF-style: chr12-65634753-C-T.
Other names: c.2188C>T, p.Arg730Cys (NM_001167614.2); c.2191C>T (NM_014319.4); short protein forms R731C, R730C.
Identifiers: ClinVar variation 3700953 (VCV003700953.3).

ClinVar aggregate classification (germline): Uncertain significance. Review status: criteria provided, multiple submitters, no conflicts (2 of 4 stars). 2 submissions from 2 submitters: Uncertain significance (2). Last evaluated 2025-06-08.

Conditions:
Inborn genetic diseases. Identifiers: MedGen C0950123, MeSH D030342.

gnomAD v4.1: 4 of 1,613,886 alleles (0.00025%); highest among the groups gnomAD compares: African/African-American, 0.0027%; no homozygotes.

Submissions (2):

Ambry Genetics
Classification: Uncertain significance for Inborn genetic diseases. Last evaluated: 2025-06-08. Review status: criteria provided, single submitter. Criteria: Ambry Variant Classification Scheme 2023. Collection method: clinical testing. Allele origin: germline.

Labcorp Genetics (formerly Invitae), Labcorp
Classification: Uncertain significance. Last evaluated: 2024-10-03. Review status: criteria provided, single submitter. Criteria: Invitae Variant Classification Sherloc (09022015). Collection method: clinical testing. Allele origin: germline.
Comment: This sequence change replaces arginine, which is basic and polar, with cysteine, which is neutral and slightly polar, at codon 731 of the LEMD3 protein (p.Arg731Cys). This variant is present in population databases (rs769674069, gnomAD 0.01%). This variant has not been reported in the literature in individuals affected with LEMD3-related conditions. Invitae Evidence Modeling of protein sequence and biophysical properties (such as structural, functional, and spatial information, amino acid conservation, physicochemical variation, residue mobility, and thermodynamic stability) indicates that this missense variant is expected to disrupt LEMD3 protein function with a positive predictive value of 80%. In summary, the available evidence is currently insufficient to determine the role of this variant in disease. Therefore, it has been classified as a Variant of Uncertain Significance.